The following is an entry in ClinVar:

ClinVar aggregate classification (germline): Uncertain significance. Review status: criteria provided, multiple submitters, no conflicts (2 of 4 stars). 3 submissions from 3 submitters: Uncertain significance (3). Last evaluated 2026-08-17.

Conditions:
Hereditary cancer-predisposing syndrome. Also called: Hereditary Cancer Syndrome; Neoplastic Syndromes, Hereditary; Hereditary neoplastic syndrome; Tumor predisposition. Identifiers: Orphanet 140162, MedGen C0027672, MeSH D009386, MONDO:0015356.
Cardiovascular phenotype. Identifiers: MedGen CN230736.

gnomAD v4.1: 2 of 1,613,666 alleles (0.00012%); highest among the groups gnomAD compares: Non-Finnish European, 0.000085%; no homozygotes.

Submissions (3):

Ambry Genetics
Classification: Uncertain significance for Cardiovascular phenotype; Hereditary cancer-predisposing syndrome. Last evaluated: 2026-08-17. Review status: criteria provided, single submitter. Criteria: Ambry Variant Classification Scheme 2023. Collection method: clinical testing. Allele origin: germline.
Comment: The p.P172S variant (also known as c.514C>T), located in coding exon 6 of the LZTR1 gene, results from a C to T substitution at nucleotide position 514. The proline at codon 172 is replaced by serine, an amino acid with similar properties. This amino acid position is conserved. In addition, this alteration is predicted to be deleterious by in silico analysis. Based on the available evidence, the clinical significance of this variant remains unclear.

Dasa
Classification: Uncertain significance. Last evaluated: 2025-10-06. Review status: criteria provided, single submitter. Criteria: DASA Assertion Criteria. Collection method: clinical testing. Allele origin: germline.
Comment: NM_006767.4(LZTR1):c.514C>T (p.Pro172Ser) is a missense variant that results in the substitution of proline with serine. This variant is rare in population databases. The currently available literature and clinical evidence are not sufficient to establish a definitive association between this variant and the reported condition. Therefore, this variant is classified as a variant of uncertain significance.

Labcorp Genetics (formerly Invitae), Labcorp
Classification: Uncertain significance. Last evaluated: 2021-07-14. Review status: criteria provided, single submitter. Criteria: Invitae Variant Classification Sherloc (09022015). Collection method: clinical testing. Allele origin: germline.
Comment: This sequence change replaces proline with serine at codon 172 of the LZTR1 protein (p.Pro172Ser). The proline residue is highly conserved and there is a moderate physicochemical difference between proline and serine. This variant is not present in population databases (ExAC no frequency). This variant has not been reported in the literature in individuals affected with LZTR1-related conditions. Algorithms developed to predict the effect of missense changes on protein structure and function (SIFT, PolyPhen-2, Align-GVGD) all suggest that this variant is likely to be disruptive. In summary, the available evidence is currently insufficient to determine the role of this variant in disease. Therefore, it has been classified as a Variant of Uncertain Significance.

NM_006767.4(LZTR1):c.514C>T (p.Pro172Ser)

Gene: LZTR1 (leucine zipper like post translational regulator 1; plus strand). Cytogenetic location: 22q11.21.
Variant type: single nucleotide variant.
Coding change: c.514C>T on transcript NM_006767.4 (MANE Select); coding-DNA position 514, C replaced by T.
Protein change: p.Pro172Ser; replaces proline 172 with serine.
Molecular consequence: missense variant.
Genome position (GRCh38, 1-based): chr22:20,988,793, C>T. VCF-style: chr22-20988793-C-T. GRCh37 (hg19) VCF-style: chr22-21343082-C-T.
Other names: c.514C>T (NM_006767.3); short protein forms P172S.
Identifiers: ClinVar variation 1432039 (VCV001432039.11), dbSNP rs770709361, ClinGen allele CA410780084.
Genomic context (GRCh38, chr22:20,988,793, plus strand): 5'-TGGCTCAGGTCTGTGCTGGGCGGCCTCACTCCCTCCCCTCTTCCCTCACACTCCAGGTTG[C>T]CAGTCGCTAGGTCAGCCCATGGGGCCACGGTGTACAGTGACAAGCTGTGGATCTTTGCTG-3'
Protein context (NP_006758.2, residues 162-182): WTEWKIEGRL[Pro172Ser]VARSAHGATV